The following is an entry in ClinVar:

NM_206933.4(USH2A):c.10485AGA[1] (p.Glu3496del)

Gene: USH2A (usherin; minus strand). Cytogenetic location: 1q41.
Variant type: Microsatellite.
Coding change: c.10485AGA[1] on transcript NM_206933.4 (MANE Select); one copy of the 3-base unit AGA starting at c.10485; the reference has two copies in a row; one copy, 3 bases deleted.
Protein change: p.Glu3496del; deletes glutamic acid 3496.
Molecular consequence: inframe deletion.
Genome position (GRCh38, 1-based): chr1:215,782,833-215,782,835, TCT deleted on the plus strand (AGA on the coding strand, the reverse complement: USH2A is on the minus strand); deleting any 3 consecutive bases within chr1:215,782,833-215,782,839 gives the same sequence; the position shown is the placement nearest the transcript's 3' end. VCF-style (leftmost placement, unchanged base first): chr1-215782832-ATCT-A. GRCh37 (hg19) VCF-style: chr1-215956174-ATCT-A.
Other names: c.10488_10490delAGA (NM_206933.4, NM_206933.2); short protein forms E3496del.
Identifiers: ClinVar variation 866222 (VCV000866222.13), dbSNP rs1241034250, ClinGen allele CA529002351.

ClinVar aggregate classification (germline): Conflicting classifications of pathogenicity. Review status: criteria provided, conflicting classifications (1 of 4 stars). 6 submissions from 6 submitters: Likely pathogenic (2); Uncertain significance (4). Last evaluated 2026-01-20.

Conditions:
Usher syndrome type 2A. Also called: RETINAL DISEASE IN USHER SYNDROME TYPE IIA, MODIFIER OF; USHER SYNDROME, TYPE IIA. Identifiers: Orphanet 231178, Orphanet 886, MedGen C1848634, MONDO:0010169, OMIM 276901.
Retinitis pigmentosa (RP). Identifiers: Orphanet 791, MedGen C0035334, MeSH D012174, MONDO:0019200, OMIM 268000. Inheritance: Autosomal dominant, autosomal recessive and X linked inheritance.

Submissions (6):

Natera, Inc.
Classification: Likely pathogenic for Usher syndrome type 2A. Last evaluated: 2026-01-20. Review status: criteria provided, single submitter. Criteria: Natera Variant Classification Schema (03/2026). Collection method: clinical testing. Allele origin: germline.
Comment: The c.10488_10490delAGA variant in USH2A is an in-frame deletion predicted to remove glutamic acid at amino acid 3496 while preserving the reading frame. This variant is rare in the general population with a frequency below the threshold expected for the associated phenotype(s). This variant has been observed in one or more individuals affected with the associated recessive disease, as either homozygous or compound heterozygous with a second variant (PMID: 35457016). Additionally, this variant has been observed to segregate in affected family members (PMID: 35457016). This variant results in a change to the protein length while preserving reading frame, which may disrupt normal protein structure or function. Computational prediction algorithms indicate this variant is likely to affect gene or protein function. Given the available evidence, this variant is classified as Likely Pathogenic.

Women's Health and Genetics/Laboratory Corporation of America, LabCorp
Classification: Uncertain significance. Last evaluated: 2025-06-24. Review status: criteria provided, single submitter. Criteria: LabCorp Variant Classification Summary - May 2015. Collection method: clinical testing. Allele origin: germline.
Comment: Variant summary: USH2A c.10488_10490delAGA (p.Glu3496del) results in an in-frame deletion that is predicted to remove one amino acid from the encoded protein. The variant allele was found at a frequency of 4e-06 in 251196 control chromosomes. c.10488_10490delAGA has been observed in the compound heterozygous state in individuals affected with Usher Syndrome and inherited retinal disease. These data indicate that the variant may be associated with disease. To our knowledge, no experimental evidence demonstrating an impact on protein function has been reported. The following publications have been ascertained in the context of this evaluation (PMID: 35457016, 38219857). ClinVar contains an entry for this variant (Variation ID: 866222). Based on the evidence outlined above, the variant was classified as VUS-possibly pathogenic.

Labcorp Genetics (formerly Invitae), Labcorp
Classification: Uncertain significance. Last evaluated: 2022-10-13. Review status: criteria provided, single submitter. Criteria: Invitae Variant Classification Sherloc (09022015). Collection method: clinical testing. Allele origin: germline.
Comment: This variant is present in population databases (no rsID available, gnomAD 0.007%). In summary, the available evidence is currently insufficient to determine the role of this variant in disease. Therefore, it has been classified as a Variant of Uncertain Significance. Experimental studies and prediction algorithms are not available or were not evaluated, and the functional significance of this variant is currently unknown. ClinVar contains an entry for this variant (Variation ID: 866222). This variant has been observed in individual(s) with USH2A-related conditions (PMID: 31266775). This variant, c.10488_10490del, results in the deletion of 1 amino acid(s) of the USH2A protein (p.Glu3496del), but otherwise preserves the integrity of the reading frame.

GeneDx
Classification: Likely pathogenic. Last evaluated: 2022-07-18. Review status: criteria provided, single submitter. Criteria: GeneDx Variant Classification Process June 2021. Collection method: clinical testing. Allele origin: germline. Affected: yes.
Comment: Not observed at significant frequency in large population cohorts (gnomAD); In-frame deletion of 1 amino acid in a non-repeat region; In silico analysis supports a deleterious effect on protein structure/function; Identified in two siblings with a clinical diagnosis of Usher syndrome type 2 in published literature who also harbored a second USH2A variant, although the phase of the two variants was not confirmed (Gill et al., 2022); This variant is associated with the following publications: (PMID: 31266775, 35457016)

Broad Center for Mendelian Genomics, Broad Institute of MIT and Harvard
Classification: Uncertain significance for Retinitis pigmentosa. Last evaluated: 2021-04-01. Review status: criteria provided, single submitter. Criteria: ACMG Guidelines, 2015. Collection method: curation. Allele origin: germline. Inheritance: Autosomal recessive inheritance. Affected: yes.
Comment: Through a review of available evidence we were able to apply the following criteria: PM2, PM4, PM3-P. Based on this evidence we have classified this variant as a Variant of Uncertain Significance. If you have any questions about the classification please reach out to the Pierce Lab.

Blueprint Genetics
Classification: Uncertain significance. Last evaluated: 2019-12-10. Review status: criteria provided, single submitter. Criteria: ACMG Guidelines, 2015. Collection method: clinical testing. Allele origin: germline.

Literature cited by the submitters: PubMed 35457016 (cited by Natera, Inc. and Women's Health and Genetics/Laboratory Corporation of America, LabCorp); PubMed 38219857 (cited by Women's Health and Genetics/Laboratory Corporation of America, LabCorp); PubMed 31266775 (cited by Labcorp Genetics (formerly Invitae), Labcorp); PubMed 34906470 (cited by Broad Center for Mendelian Genomics, Broad Institute of MIT and Harvard).